The following is an entry in ClinVar:

NM_001166108.2(PALLD):c.991A>G (p.Ile331Val)

Gene: PALLD (palladin, cytoskeletal associated protein; plus strand). Cytogenetic location: 4q32.3.
Variant type: single nucleotide variant.
Coding change: c.991A>G on transcript NM_001166108.2 (MANE Select); coding-DNA position 991, A replaced by G.
Protein change: p.Ile331Val; replaces isoleucine 331 with valine.
Molecular consequence: missense variant. On other transcripts: 5 prime UTR variant (1).
Genome position (GRCh38, 1-based): chr4:168,668,272, A>G. VCF-style: chr4-168668272-A-G. GRCh37 (hg19) VCF-style: chr4-169589423-A-G.
Other names: c.-156A>G (NM_001166109.2); c.991A>G, p.Ile331Val (NM_016081.4); short protein forms I331V.
Identifiers: ClinVar variation 2622930 (VCV002622930.2), dbSNP rs1225031648, ClinGen allele CA358793756.

ClinVar aggregate classification (germline): Uncertain significance (1 of 4 stars; one submission).

Allele frequency attached by ClinVar (database versions not stated): gnomAD exomes below 0.00001; TOPMed below 0.00001; gnomAD 0.00001.
gnomAD v4.1: 2 of 1,614,070 alleles (0.00012%); highest among the groups gnomAD compares: Non-Finnish European, 0.00017%; no homozygotes.

Submission:

Ambry Genetics
Classification: Uncertain significance. Last evaluated: 2023-06-24. Review status: criteria provided, single submitter. Criteria: Ambry Variant Classification Scheme 2023. Collection method: clinical testing. Allele origin: germline.
Comment: The p.I331V variant (also known as c.991A>G), located in coding exon 2 of the PALLD gene, results from an A to G substitution at nucleotide position 991. The isoleucine at codon 331 is replaced by valine, an amino acid with highly similar properties. This amino acid position is conserved. In addition, the in silico prediction for this alteration is inconclusive. Since supporting evidence is limited at this time, the clinical significance of this alteration remains unclear.